The following is an entry in ClinVar:

ClinVar aggregate classification (germline): Pathogenic (1 of 4 stars; one submission).

Conditions:
Familial cancer of breast. Also called: Hereditary breast cancer; hereditary breast carcinoma; BREAST CANCER, FAMILIAL. Identifiers: Orphanet 227535, MedGen C0346153, MONDO:0016419, OMIM 114480. Disease mechanism: loss of function.

Submission:

Labcorp Genetics (formerly Invitae), Labcorp
Classification: Pathogenic for Familial cancer of breast. Last evaluated: 2018-04-03. Review status: criteria provided, single submitter. Criteria: Invitae Variant Classification Sherloc (09022015). Collection method: clinical testing. Allele origin: germline.
Comment: This variant is a gross deletion of the genomic region encompassing exons 1-4 of the PALB2 gene, which includes the initiator codon. The 5' end of this event is unknown as it extends beyond the assayed region for this gene and therefore may encompass additional genes. The 3' boundary is likely confined to intron 4 of the PALB2 gene. This is expected to result in an absent or disrupted protein product. This variant has not been reported in the literature in individuals with PALB2-related disease. Loss-of-function variants in PALB2 are known to be pathogenic (PMID: 17200668, 24136930, 25099575). For these reasons, this variant has been classified as Pathogenic.

NC_000016.10:g.(?_23634856)_(23641163_?)del

Gene: PALB2 (partner and localizer of BRCA2; minus strand). Cytogenetic location: 16p12.2.
Variant type: Deletion.
Identifiers: ClinVar variation 583857 (VCV000583857.2).